The following is an entry in ClinVar:

NM_000512.5(GALNS):c.359C>T (p.Ser120Leu)

Gene: GALNS (galactosamine (N-acetyl)-6-sulfatase; minus strand). Cytogenetic location: 16q24.3.
Variant type: single nucleotide variant.
Coding change: c.359C>T on transcript NM_000512.5 (MANE Select); coding-DNA position 359, C replaced by T.
Protein change: p.Ser120Leu; replaces serine 120 with leucine.
Molecular consequence: missense variant. On other transcripts: 5 prime UTR variant (1).
Genome position (GRCh38, 1-based): chr16:88,841,055, G>A on the plus strand (C>T on the coding strand, the complement: GALNS is on the minus strand). VCF-style: chr16-88841055-G-A. GRCh37 (hg19) VCF-style: chr16-88907463-G-A.
Other names: c.-197C>T (NM_001323543.2); c.377C>T, p.Ser126Leu (NM_001323544.2); short protein forms S120L, S126L.
Identifiers: ClinVar variation 458621 (VCV000458621.22), dbSNP rs112454391, ClinGen allele CA8235187.
Genomic context (GRCh38, chr16:88,841,055, plus strand): 5'-TTGCCGACAATCTTGCTGACGTAGCCGGCCTTCTTCAGAAGCTCCGGCAGGAGCTGCTCC[G>A]AGTCTGGGATGCCGCCCACAATCTCCTGCGGTGTGTAGGCTGGAAGAGCAGCGCTGGGTG-3'
Protein context (NP_000503.1, residues 110-130): PQEIVGGIPD[Ser120Leu]EQLLPELLKK

ClinVar aggregate classification (germline): Conflicting classifications of pathogenicity. Review status: criteria provided, conflicting classifications (1 of 4 stars). 5 submissions from 5 submitters: Uncertain significance (1); Benign (1); Likely benign (3). Last evaluated 2026-04-01.

Conditions:
Mucopolysaccharidosis, MPS-IV-A (MPS4A). Also called: MORQUIO A DISEASE; mucopolysaccharidosis type 4A; Morquio syndrome A, mild; MORQUIO SYNDROME A; GALACTOSAMINE-6-SULFATASE DEFICIENCY; GALNS DEFICIENCY. Identifiers: Orphanet 309297, Orphanet 582, MedGen C0086651, MONDO:0009659, OMIM 253000.

Allele frequency attached by ClinVar (database versions not stated): TOPMed 0.00418; ESP Exome Variant Server 0.00446; 1000 Genomes Project 0.00539; 1000 Genomes Project 30x 0.00562; gnomAD exomes 0.00041 and 0.00108; ExAC 0.00126; gnomAD 0.00375 and 0.00404.

Submissions (5):

CeGaT Center for Human Genetics Tuebingen
Classification: Likely benign. Last evaluated: 2026-04-01. Review status: criteria provided, single submitter. Criteria: CeGaT Center For Human Genetics Tuebingen Variant Classification Criteria Version 2. Collection method: clinical testing. Allele origin: germline. Affected: yes. Observed: 1 variant allele.
Comment: GALNS: BP4, BS1

Labcorp Genetics (formerly Invitae), Labcorp
Classification: Benign for Mucopolysaccharidosis, MPS-IV-A. Last evaluated: 2026-01-24. Review status: criteria provided, single submitter. Criteria: Invitae Variant Classification Sherloc (09022015). Collection method: clinical testing. Allele origin: germline.

Blueprint Genetics
Classification: Likely benign. Last evaluated: 2024-11-01. Review status: criteria provided, single submitter. Criteria: ACMG Guidelines, 2015. Collection method: clinical testing. Allele origin: germline.

Genome-Nilou Lab
Classification: Likely benign for Mucopolysaccharidosis, MPS-IV-A. Last evaluated: 2021-11-07. Review status: criteria provided, single submitter. Criteria: ACMG Guidelines, 2015. Collection method: clinical testing. Allele origin: germline. Affected: no.

Laboratory of Diagnosis and Therapy of Lysosomal Disorders, University of Padova
Classification: Uncertain significance for Mucopolysaccharidosis, MPS-IV-A. Last evaluated: 2021-02-01. Review status: criteria provided, single submitter. Criteria: ACMG Guidelines, 2015. Collection method: research. Allele origin: germline. Affected: yes.
Comment: Allele frequency is greater than expected for disorder (BS1_strong)

Literature cited by the submitters: PubMed 34387910 (cited by Laboratory of Diagnosis and Therapy of Lysosomal Disorders, University of Padova).